The following is an entry in ClinVar:

NM_001013838.3(CARMIL2):c.797C>T (p.Ala266Val)

Gene: CARMIL2 (capping protein regulator and myosin 1 linker 2; plus strand). Cytogenetic location: 16q22.1.
Variant type: single nucleotide variant.
Coding change: c.797C>T on transcript NM_001013838.3 (MANE Select); coding-DNA position 797, C replaced by T.
Protein change: p.Ala266Val; replaces alanine 266 with valine.
Molecular consequence: missense variant.
Genome position (GRCh38, 1-based): chr16:67,647,528, C>T. VCF-style: chr16-67647528-C-T. GRCh37 (hg19) VCF-style: chr16-67681431-C-T.
Other names: c.797C>T, p.Ala266Val (NM_001317026.3); short protein forms A266V.
Identifiers: ClinVar variation 1502078 (VCV001502078.8), dbSNP rs1468078419, ClinGen allele CA396332905.

ClinVar aggregate classification (germline): Uncertain significance (1 of 4 stars; one submission).

Allele frequency attached by ClinVar (database versions not stated): gnomAD exomes below 0.00001 and 0.00002; TOPMed 0.00001; gnomAD 0.00003 and 0.00004.
gnomAD v4.1: 31 of 1,608,178 alleles (0.0019%); highest among the groups gnomAD compares: Non-Finnish European, 0.0026%; 1 homozygote.

Submission:

Labcorp Genetics (formerly Invitae), Labcorp
Classification: Uncertain significance. Last evaluated: 2022-06-13. Review status: criteria provided, single submitter. Criteria: Invitae Variant Classification Sherloc (09022015). Collection method: clinical testing. Allele origin: germline.
Comment: In summary, the available evidence is currently insufficient to determine the role of this variant in disease. Therefore, it has been classified as a Variant of Uncertain Significance. Algorithms developed to predict the effect of missense changes on protein structure and function are either unavailable or do not agree on the potential impact of this missense change (SIFT: "Deleterious"; PolyPhen-2: "Probably Damaging"; Align-GVGD: "Class C0"). This variant has not been reported in the literature in individuals affected with CARMIL2-related conditions. The frequency data for this variant in the population databases is considered unreliable, as metrics indicate poor data quality at this position in the gnomAD database. This sequence change replaces alanine, which is neutral and non-polar, with valine, which is neutral and non-polar, at codon 266 of the CARMIL2 protein (p.Ala266Val).